The following is an entry in ClinVar:

NM_001394062.1(MACF1):c.18603A>G (p.Thr6201=)

Gene: MACF1 (microtubule actin crosslinking factor 1; plus strand). Cytogenetic location: 1p34.3.
Variant type: single nucleotide variant.
Coding change: c.18603A>G on transcript NM_001394062.1 (MANE Select); coding-DNA position 18603, A replaced by G.
Protein change: p.Thr6201=; no amino-acid change (threonine 6201 retained).
Molecular consequence: synonymous variant.
Genome position (GRCh38, 1-based): chr1:39,441,256, A>G. VCF-style: chr1-39441256-A-G. GRCh37 (hg19) VCF-style: chr1-39906928-A-G.
Other names: c.6681A>G, p.Thr2227= (NM_001397473.1); c.12426A>G, p.Thr4142= (NM_012090.5).
Identifiers: ClinVar variation 5002058 (VCV005002058.1).

ClinVar aggregate classification (germline): Likely benign (1 of 4 stars; one submission).

Conditions:
MACF1-related disorder. Also called: MACF1-related condition.

gnomAD v4.1: 5 of 1,614,186 alleles (0.00031%); highest among the groups gnomAD compares: African/African-American, 0.0013%; no homozygotes.

Submission:

PreventionGenetics, part of Exact Sciences
Classification: Likely benign for MACF1-related condition. Last evaluated: 2024-11-26. Review status: criteria provided, single submitter. Criteria: ACMG Guidelines, 2015. Collection method: clinical testing. Allele origin: germline.
Comment: This variant is classified as likely benign based on ACMG/AMP sequence variant interpretation guidelines (Richards et al. 2015 PMID: 25741868, with internal and published modifications).